The following is an entry in ClinVar:

ClinVar aggregate classification (germline): Uncertain significance. Review status: criteria provided, multiple submitters, no conflicts (2 of 4 stars). 4 submissions from 4 submitters: Uncertain significance (4). Last evaluated 2026-01-01.

Conditions:
Hereditary cancer-predisposing syndrome. Also called: Hereditary neoplastic syndrome; Neoplastic Syndromes, Hereditary; Tumor predisposition; Hereditary Cancer Syndrome. Identifiers: Orphanet 140162, MedGen C0027672, MeSH D009386, MONDO:0015356.
Ataxia-telangiectasia syndrome (AT). Also called: LOUIS-BAR SYNDROME; Cerebello-oculocutaneous telangiectasia; Immunodeficiency with ataxia telangiectasia; AT, COMPLEMENTATION GROUP C; Ataxia-telangiectasia, complementation group D; ATAXIA-TELANGIECTASIA, COMPLEMENTATION GROUP A. Identifiers: Orphanet 100, MedGen C0004135, MONDO:0008840, OMIM 208900.

Allele frequency attached by ClinVar (database versions not stated): gnomAD exomes below 0.00001 and 0.00001; ExAC 0.00001.
gnomAD v4.1: 4 of 1,614,080 alleles (0.00025%); highest among the groups gnomAD compares: East Asian, 0.0045%; no homozygotes.

Submissions (4):

Labcorp Genetics (formerly Invitae), Labcorp
Classification: Uncertain significance for Ataxia-telangiectasia syndrome. Last evaluated: 2026-01-01. Review status: criteria provided, single submitter. Criteria: Invitae Variant Classification Sherloc (09022015). Collection method: clinical testing. Allele origin: germline.
Comment: This sequence change replaces leucine, which is neutral and non-polar, with phenylalanine, which is neutral and non-polar, at codon 927 of the ATM protein (p.Leu927Phe). This variant is present in population databases (rs770565353, gnomAD 0.01%). This variant has not been reported in the literature in individuals affected with ATM-related conditions. ClinVar contains an entry for this variant (Variation ID: 482760). Invitae Evidence Modeling of protein sequence and biophysical properties (such as structural, functional, and spatial information, amino acid conservation, physicochemical variation, residue mobility, and thermodynamic stability) indicates that this missense variant is not expected to disrupt ATM protein function with a negative predictive value of 95%. In summary, the available evidence is currently insufficient to determine the role of this variant in disease. Therefore, it has been classified as a Variant of Uncertain Significance.

Ambry Genetics
Classification: Uncertain significance for Hereditary cancer-predisposing syndrome. Last evaluated: 2024-11-21. Review status: criteria provided, single submitter. Criteria: Ambry Variant Classification Scheme 2023. Collection method: clinical testing. Allele origin: germline.
Comment: The p.L927F variant (also known as c.2781G>T), located in coding exon 17 of the ATM gene, results from a G to T substitution at nucleotide position 2781. The leucine at codon 927 is replaced by phenylalanine, an amino acid with highly similar properties. This amino acid position is highly conserved in available vertebrate species. In addition, the in silico prediction for this alteration is inconclusive. Since supporting evidence is limited at this time, the clinical significance of this alteration remains unclear.

Color Diagnostics, LLC DBA Color Health
Classification: Uncertain significance for Hereditary cancer-predisposing syndrome. Last evaluated: 2019-08-05. Review status: criteria provided, single submitter. Criteria: ACMG Guidelines, 2015. Collection method: clinical testing. Allele origin: germline.
Comment: This missense variant replaces leucine with phenylalanine at codon 927 of the ATM protein. Computational prediction tools and conservation analyses suggest that this variant may have deleterious impact on the protein function. Computational splicing tools suggest that this variant may not impact RNA splicing. To our knowledge, functional assays have not been performed for this variant nor has this variant been reported in individuals affected with hereditary cancer in the literature. This variant has been identified in 3/251440 chromosomes in the general population by the Genome Aggregation Database (gnomAD). Available evidence is insufficient to determine the role of this variant in disease conclusively. Therefore, this variant is classified as a Variant of Uncertain Significance.

Breakthrough Genomics
Classification: Uncertain significance. Review status: criteria provided, single submitter. Criteria: ACMG Guidelines, 2015. Collection method: not provided. Allele origin: germline. Inheritance: Autosomal recessive inheritance. Affected: yes.

NM_000051.4(ATM):c.2781G>T (p.Leu927Phe)

Gene: ATM (ATM serine/threonine kinase; plus strand). Cytogenetic location: 11q22.3.
Variant type: single nucleotide variant.
Coding change: c.2781G>T on transcript NM_000051.4 (MANE Select); coding-DNA position 2781, G replaced by T.
Protein change: p.Leu927Phe; replaces leucine 927 with phenylalanine.
Molecular consequence: missense variant.
Genome position (GRCh38, 1-based): chr11:108,268,552, G>T. VCF-style: chr11-108268552-G-T. GRCh37 (hg19) VCF-style: chr11-108139279-G-T.
Other names: c.2781G>T, p.Leu927Phe (NM_001351834.2); short protein forms L927F.
Identifiers: ClinVar variation 482760 (VCV000482760.18), dbSNP rs770565353, ClinGen allele CA6265110.
Genomic context (GRCh38, chr11:108,268,552, plus strand): 5'-TGTAACTACTGCTCAGACCAATACTGTGTCCTTTAGGGCAGCTGATATTCGGAGGAAATT[G>T]TTAATGTTAATTGATTCTAGCACGCTAGAACCTACCAAATCCCTCCACCTGCATATGGTG-3'
Protein context (NP_000042.3, residues 917-937): SFRAADIRRK[Leu927Phe]LMLIDSSTLE